The following is an entry in ClinVar:

NM_001286613.2(MICAL1):c.11dup (p.Ser5fs)

Genes: MICAL1 (microtubule associated monooxygenase, calponin and LIM domain containing 1; minus strand), ZBTB24 (zinc finger and BTB domain containing 24; minus strand). Cytogenetic location: 6q21.
Variant type: Duplication.
Coding change: c.11dup on transcript NM_001286613.2; coding-DNA position 11, one base duplicated (T; older notation c.11dupT).
Protein change: p.Ser5fs; shifts the reading frame from serine 5.
Molecular consequence: frameshift variant. On other transcripts: 3 prime UTR variant (1).
Genome position (GRCh38, 1-based): chr6:109,465,667, A duplicated on the plus strand (T on the coding strand, the reverse complement: MICAL1 is on the minus strand). VCF-style (leftmost placement, unchanged base first): chr6-109465666-T-TA. GRCh37 (hg19) VCF-style: chr6-109786869-T-TA.
Other names: c.*184dup (NM_014797.3); short protein forms S5fs.
Identifiers: ClinVar variation 2080189 (VCV002080189.4), dbSNP rs2482849532, ClinGen allele CA2580074762.

ClinVar aggregate classification (germline): Uncertain significance (1 of 4 stars; one submission).

Submission:

Labcorp Genetics (formerly Invitae), Labcorp
Classification: Uncertain significance. Last evaluated: 2022-07-19. Review status: criteria provided, single submitter. Criteria: Invitae Variant Classification Sherloc (09022015). Collection method: clinical testing. Allele origin: germline.
Comment: This variant is not present in population databases (gnomAD no frequency). In summary, the available evidence is currently insufficient to determine the role of this variant in disease. Therefore, it has been classified as a Variant of Uncertain Significance. This variant has not been reported in the literature in individuals affected with MICAL1-related conditions. This sequence change creates a premature translational stop signal (p.Ser5Lysfs*30) in the MICAL1 gene. It is expected to result in an absent or disrupted protein product. However, the current clinical and genetic evidence is not sufficient to establish whether loss-of-function variants in MICAL1 cause disease.